The following is an entry in ClinVar:

NM_001365999.1(SZT2):c.8534G>A (p.Arg2845His)

Gene: SZT2 (SZT2 subunit of KICSTOR complex; plus strand). Cytogenetic location: 1p34.2.
Variant type: single nucleotide variant.
Coding change: c.8534G>A on transcript NM_001365999.1 (MANE Select); coding-DNA position 8534, G replaced by A.
Protein change: p.Arg2845His; replaces arginine 2845 with histidine.
Molecular consequence: missense variant.
Genome position (GRCh38, 1-based): chr1:43,443,386, G>A. VCF-style: chr1-43443386-G-A. GRCh37 (hg19) VCF-style: chr1-43909057-G-A.
Other names: c.8363G>A, p.Arg2788His (NM_015284.4); short protein forms R2845H, R2788H.
Identifiers: ClinVar variation 857236 (VCV000857236.8), dbSNP rs1445348899, ClinGen allele CA340039515.

ClinVar aggregate classification (germline): Uncertain significance. Review status: criteria provided, multiple submitters, no conflicts (2 of 4 stars). 2 submissions from 2 submitters: Uncertain significance (2). Last evaluated 2025-09-24.

Conditions:
Inborn genetic diseases. Identifiers: MedGen C0950123, MeSH D030342.

Allele frequency attached by ClinVar (database versions not stated): TOPMed 0.00001; gnomAD 0.00001.
gnomAD v4.1: 10 of 1,614,012 alleles (0.00062%); highest among the groups gnomAD compares: South Asian, 0.0022%; no homozygotes.

Submissions (2):

Ambry Genetics
Classification: Uncertain significance for Inborn genetic diseases. Last evaluated: 2025-09-24. Review status: criteria provided, single submitter. Criteria: Ambry Variant Classification Scheme 2023. Collection method: clinical testing. Allele origin: germline.

Labcorp Genetics (formerly Invitae), Labcorp
Classification: Uncertain significance. Last evaluated: 2020-08-27. Review status: criteria provided, single submitter. Criteria: Invitae Variant Classification Sherloc (09022015). Collection method: clinical testing. Allele origin: germline.
Comment: In summary, the available evidence is currently insufficient to determine the role of this variant in disease. Therefore, it has been classified as a Variant of Uncertain Significance. Algorithms developed to predict the effect of missense changes on protein structure and function are either unavailable or do not agree on the potential impact of this missense change (SIFT: "Tolerated"; PolyPhen-2: "Probably Damaging"; Align-GVGD: "Class C0"). This variant has not been reported in the literature in individuals with SZT2-related conditions. This variant is not present in population databases (ExAC no frequency). This sequence change replaces arginine with histidine at codon 2788 of the SZT2 protein (p.Arg2788His). The arginine residue is highly conserved and there is a small physicochemical difference between arginine and histidine.